The following is an entry in ClinVar:

NM_005630.3(SLCO2A1):c.547G>A (p.Gly183Arg)

Gene: SLCO2A1 (solute carrier organic anion transporter family member 2A1; minus strand). Cytogenetic location: 3q22.1.
Variant type: single nucleotide variant.
Coding change: c.547G>A on transcript NM_005630.3 (MANE Select); coding-DNA position 547, G replaced by A.
Protein change: p.Gly183Arg; replaces glycine 183 with arginine.
Molecular consequence: missense variant.
Genome position (GRCh38, 1-based): chr3:133,955,044, C>T on the plus strand (G>A on the coding strand, the complement: SLCO2A1 is on the minus strand). VCF-style: chr3-133955044-C-T. GRCh37 (hg19) VCF-style: chr3-133673888-C-T.
Other names: c.547G>A (NM_005630.2); short protein forms G183R.
Identifiers: ClinVar variation 977939 (VCV000977939.16), dbSNP rs774038272, ClinGen allele CA2626798.

ClinVar aggregate classification (germline): Pathogenic/Likely pathogenic. Review status: criteria provided, multiple submitters, no conflicts (2 of 4 stars). 8 submissions from 8 submitters: Pathogenic (2); Likely pathogenic (4). 2 of the submissions do not count toward it. Last evaluated 2025-11-03.

Conditions:
SLCO2A1-related disorder. Also called: SLCO2A1-related condition.
Hypertrophic osteoarthropathy, primary, autosomal recessive, 2 (PHOAR2E). Also called: PACHYDERMOPERIOSTOSIS, AUTOSOMAL RECESSIVE; PDP, AUTOSOMAL RECESSIVE; PHOAR2-enteropathy syndrome; HYPERTROPHIC OSTEOARTHROPATHY, PRIMARY, AUTOSOMAL RECESSIVE, 2/ENTEROPATHY SYNDROME. Identifiers: Orphanet 2796, MedGen C3280800, MONDO:0013756, OMIM 614441.

Allele frequency attached by ClinVar (database versions not stated): TOPMed 0.00001; gnomAD 0.00002; gnomAD exomes 0.00002 and 0.00003; ExAC 0.00004.
gnomAD v4.1: 33 of 1,614,044 alleles (0.002%); highest among the groups gnomAD compares: South Asian, 0.0066%; no homozygotes.

Submissions (8):

PreventionGenetics, part of Exact Sciences
Classification: Likely pathogenic for SLCO2A1-related condition. Last evaluated: 2025-11-03. Review status: criteria provided, single submitter. Criteria: ACMG Guidelines, 2015. Collection method: clinical testing. Allele origin: germline.
Comment: The SLCO2A1 c.547G>A variant is predicted to result in the amino acid substitution p.Gly183Arg. This variant has been reported in the homozygous and compound heterozygous states in individuals affected with SLCO2A1-related disorders (Cheng et al. 2013. PubMed ID: 24153155; Umeno et al. 2018. PubMed ID: 29313109; Kimball et al. 2023. PubMed ID: 37915296; Umeno et al. 2015. PubMed ID: 26539716). In vitro experimental studies suggest this variant impacts protein function (Seki et al. 2022. PubMed ID: 35877192). This variant is reported in 0.0065% of alleles in individuals of South Asian descent in gnomAD. Based on the available evidence, this variant is interpreted as likely pathogenic.

Dasa
Classification: Likely pathogenic. Last evaluated: 2025-08-07. Review status: criteria provided, single submitter. Criteria: DASA Assertion Criteria. Collection method: clinical testing. Allele origin: germline.
Comment: NM_005630.3(SLCO2A1):c.547G>A (p.Gly183Arg) is a missense variant that results in the substitution of glycine with arginine. This variant has been recurrently observed in individuals with SLCO2A1-related disorders (PMID: 24153155; PMID: 28963081; PMID: 29313109). Functional evidence supports an impact on the gene or gene product. Also, this variant is rare in population databases. Computational evidence supports a deleterious effect. Based on the currently available evidence, this variant is classified as likely pathogenic.

Labcorp Genetics (formerly Invitae), Labcorp
Classification: Pathogenic. Last evaluated: 2025-07-14. Review status: criteria provided, single submitter. Criteria: Invitae Variant Classification Sherloc (09022015). Collection method: clinical testing. Allele origin: germline.
Comment: This sequence change replaces glycine, which is neutral and non-polar, with arginine, which is basic and polar, at codon 183 of the SLCO2A1 protein (p.Gly183Arg). This variant is present in population databases (rs774038272, gnomAD 0.006%). This missense change has been observed in individuals with primary hypertrophic osteoarthropathy (PMID: 24153155, 28963081, 29313109; internal data). ClinVar contains an entry for this variant (Variation ID: 977939). Invitae Evidence Modeling of protein sequence and biophysical properties (such as structural, functional, and spatial information, amino acid conservation, physicochemical variation, residue mobility, and thermodynamic stability) indicates that this missense variant is expected to disrupt SLCO2A1 protein function with a positive predictive value of 95%. Experimental studies have shown that this missense change affects SLCO2A1 function (PMID: 26539716). For these reasons, this variant has been classified as Pathogenic.

GeneDx
Classification: Likely pathogenic. Last evaluated: 2024-12-19. Review status: criteria provided, single submitter. Criteria: GeneDx Variant Classification Process June 2021. Collection method: clinical testing. Allele origin: germline. Affected: yes.
Comment: Published functional studies found this variant is associated with impaired prostaglandin E2 transport (PMID: 26539716); In silico analysis supports that this missense variant has a deleterious effect on protein structure/function; This variant is associated with the following publications: (PMID: 35877192, 29313109, 29239930, 24153155, 37334733, 28963081, 26539716, 37915296, 33000396, 28425581)

Blueprint Genetics
Classification: Pathogenic for SLCO2A1-related disorders. Last evaluated: 2024-06-04. Review status: criteria provided, single submitter. Criteria: ACMG Guidelines, 2015. Collection method: clinical testing. Allele origin: germline. Affected: yes. Observed: 2 variant alleles.

Kasturba Medical College, Manipal, Kasturba Medical College, Manipal, Manipal Academy of Higher Education, Manipal, India
Classification: Likely pathogenic for Hypertrophic osteoarthropathy, primary, autosomal recessive, 2. Review status: criteria provided, single submitter. Criteria: ACMG Guidelines, 2015. Collection method: clinical testing. Allele origin: unknown. Affected: yes.

OMIM
Classification: Pathogenic for PHOAR2-ENTEROPATHY SYNDROME. Last evaluated: 2024-02-13. Review status: no assertion criteria provided. Collection method: literature only. Allele origin: germline. Not counted in ClinVar's aggregate classification.

Gastroenterology Department, Qilu Hospital of Shandong University
Classification: Likely pathogenic for Hypertrophic osteoarthropathy, primary, autosomal recessive, 2. Review status: no assertion criteria provided. Collection method: clinical testing. Allele origin: germline. Inheritance: Autosomal recessive inheritance. Affected: yes. Observed: 1 homozygote. Not counted in ClinVar's aggregate classification.

Literature cited by the submitters: PubMed 24153155 (cited by Dasa and Labcorp Genetics (formerly Invitae), Labcorp); PubMed 28963081 (cited by Dasa and Labcorp Genetics (formerly Invitae), Labcorp); PubMed 29313109 (cited by Dasa and Labcorp Genetics (formerly Invitae), Labcorp); PubMed 26539716 (cited by 3 submitters); PubMed 28425581 (cited by OMIM); PubMed 37915296 (cited by OMIM).